The following is an entry in ClinVar:

ClinVar aggregate classification (germline): Benign/Likely benign. Review status: criteria provided, multiple submitters, no conflicts (2 of 4 stars). 8 submissions from 8 submitters: Benign (4); Likely benign (4). Last evaluated 2026-07-01.

Conditions:
Autoinflammatory syndrome. Identifiers: Orphanet 93665, MedGen C3890737, MONDO:0019751.
Pityriasis rubra pilaris (PRP). Also called: Pityriasis rubra pilaris--familial type. Identifiers: Orphanet 2897, MedGen C0032027, MONDO:0100017, OMIM 173200, MONDO:0008251.
Psoriasis 2. Identifiers: MedGen C1864497, MONDO:0011269, OMIM 602723.

Allele frequency attached by ClinVar (database versions not stated): gnomAD exomes 0.00089 and 0.00152; ExAC 0.00164; ESP Exome Variant Server 0.00315; gnomAD 0.00320 and 0.00344; 1000 Genomes Project 0.00339; TOPMed 0.00365; 1000 Genomes Project 30x 0.00390.
gnomAD v4.1: 1,874 of 1,613,940 alleles (0.12%); highest among the groups gnomAD compares: Middle Eastern, 1.8%; 7 homozygotes.

Submissions (8):

CeGaT Center for Human Genetics Tuebingen
Classification: Likely benign. Last evaluated: 2026-07-01. Review status: criteria provided, single submitter. Criteria: CeGaT Center For Human Genetics Tuebingen Variant Classification Criteria Version 2. Collection method: clinical testing. Allele origin: germline. Affected: yes. Observed: 9 variant alleles.
Comment: CARD14: BP4, BP7, BS1

Labcorp Genetics (formerly Invitae), Labcorp
Classification: Benign for Pityriasis rubra pilaris; Psoriasis 2. Last evaluated: 2026-02-01. Review status: criteria provided, single submitter. Criteria: Invitae Variant Classification Sherloc (09022015). Collection method: clinical testing. Allele origin: germline.

Women's Health and Genetics/Laboratory Corporation of America, LabCorp
Classification: Benign. Last evaluated: 2026-01-22. Review status: criteria provided, single submitter. Criteria: LabCorp Variant Classification Summary - May 2015. Collection method: clinical testing. Allele origin: germline.

Mayo Clinic Laboratories, Mayo Clinic
Classification: Likely benign. Last evaluated: 2025-07-28. Review status: criteria provided, single submitter. Criteria: ACMG Guidelines, 2015. Collection method: clinical testing. Allele origin: germline. Observed: 5 variant alleles.
Comment: BS1, BP4, BP7

Blueprint Genetics
Classification: Likely benign. Last evaluated: 2024-10-22. Review status: criteria provided, single submitter. Criteria: ACMG Guidelines, 2015. Collection method: clinical testing. Allele origin: germline.

Fulgent Genetics
Classification: Likely benign for Pityriasis rubra pilaris; Psoriasis 2. Last evaluated: 2022-01-07. Review status: criteria provided, single submitter. Criteria: ACMG Guidelines, 2015. Collection method: clinical testing. Allele origin: unknown.

Genome Diagnostics Laboratory, The Hospital for Sick Children
Classification: Benign for Autoinflammatory syndrome. Last evaluated: 2021-08-18. Review status: criteria provided, single submitter. Criteria: ACMG Guidelines, 2015. Collection method: clinical testing. Allele origin: germline. Affected: yes.

Breakthrough Genomics
Classification: Benign. Review status: criteria provided, single submitter. Criteria: ACMG Guidelines, 2015. Collection method: not provided. Allele origin: germline. Inheritance: Autosomal dominant inheritance. Affected: yes.

NM_001366385.1(CARD14):c.1917C>T (p.Ala639=)

Genes: CARD14 (caspase recruitment domain family member 14; plus strand), SGSH (N-sulfoglucosamine sulfohydrolase; minus strand). Cytogenetic location: 17q25.3.
Variant type: single nucleotide variant.
Coding change: c.1917C>T on transcript NM_001366385.1 (MANE Select); coding-DNA position 1917, C replaced by T.
Protein change: p.Ala639=; no amino-acid change (alanine 639 retained).
Molecular consequence: synonymous variant. On other transcripts: non-coding transcript variant (1).
Genome position (GRCh38, 1-based): chr17:80,201,809, C>T. VCF-style: chr17-80201809-C-T. GRCh37 (hg19) VCF-style: chr17-78175608-C-T.
Other names: p.Ala639=; c.1917C>T, p.Ala639= (NM_001257970.1, NM_024110.4).
Identifiers: ClinVar variation 458091 (VCV000458091.43), dbSNP rs79407194, ClinGen allele CA8817115.